The following is an entry in ClinVar:

ClinVar aggregate classification (germline): Likely benign (1 of 4 stars; one submission).

Submission:

CeGaT Center for Human Genetics Tuebingen
Classification: Likely benign. Last evaluated: 2022-09-01. Review status: criteria provided, single submitter. Criteria: CeGaT Center For Human Genetics Tuebingen Variant Classification Criteria Version 2. Collection method: clinical testing. Allele origin: germline. Affected: yes. Observed: 1 variant allele.
Comment: EPPK1: BS2

NM_031308.4(EPPK1):c.5284_5287del (p.Lys1762fs)

Gene: EPPK1 (epiplakin 1; minus strand). Cytogenetic location: 8q24.3.
Variant type: Microsatellite.
Coding change: c.5284_5287del on transcript NM_031308.4 (MANE Select); coding-DNA positions 5284 to 5287, 4 bases deleted (AAAG; older notation c.5284_5287delAAAG).
Protein change: p.Lys1762fs; shifts the reading frame from lysine 1762.
Molecular consequence: frameshift variant.
Genome position (GRCh38, 1-based): chr8:143,867,967-143,867,970, CTTT deleted on the plus strand (AAAG on the coding strand, the reverse complement: EPPK1 is on the minus strand); deleting any 4 consecutive bases within chr8:143,867,967-143,867,974 gives the same sequence; the c. name uses the placement nearest the transcript's 3' end. VCF-style (leftmost placement, unchanged base first): chr8-143867966-CCTTT-C. GRCh37 (hg19) VCF-style: chr8-144942134-CCTTT-C.
Other names: short protein forms K1762fs.
Identifiers: ClinVar variation 2658929 (VCV002658929.24), dbSNP rs782678697, ClinGen allele CA4922179.